The following is an entry in ClinVar:

NM_000051.4(ATM):c.-31+343A>G

Genes: ATM (ATM serine/threonine kinase; plus strand), LOC130006701 (ATAC-STARR-seq lymphoblastoid active region 5485; plus strand). Cytogenetic location: 11q22.3.
Variant type: single nucleotide variant.
Coding change: c.-31+343A>G on transcript NM_000051.4 (MANE Select); 343 bases into the intron after 31 bases upstream of the start codon, A replaced by G.
Molecular consequence: intron variant. On other transcripts: 5 prime UTR variant (1).
Genome position (GRCh38, 1-based): chr11:108,223,529, A>G. VCF-style: chr11-108223529-A-G. GRCh37 (hg19) VCF-style: chr11-108094256-A-G.
Other names: c.-188A>G (NM_001351836.2); c.-119+343A>G (NM_001351834.2); c.-31+343A>G (NM_001351835.2).
Identifiers: ClinVar variation 4885643 (VCV004885643.2).

ClinVar aggregate classification (germline): Uncertain significance (1 of 4 stars; one submission).

Submission:

Dasa
Classification: Uncertain significance. Last evaluated: 2026-02-16. Review status: criteria provided, single submitter. Criteria: DASA Assertion Criteria. Collection method: clinical testing. Allele origin: germline.
Comment: NM_001351836.2(ATM):c.-188A>G is an intronic variant. This variant is rare in population databases. Computational prediction algorithms are consistent with a deleterious effect. The currently available literature and clinical evidence are not sufficient to establish a definitive association between this variant and the reported condition. Therefore, this variant is classified as a variant of uncertain significance.